The following is an entry in ClinVar:

ClinVar aggregate classification (germline): Uncertain significance. Review status: criteria provided, multiple submitters, no conflicts (2 of 4 stars). 2 submissions from 2 submitters: Uncertain significance (2). Last evaluated 2025-06-01.

Conditions:
Cardiovascular phenotype. Identifiers: MedGen CN230736.
Brugada syndrome 8 (BRGDA8). Identifiers: Orphanet 130, MedGen C2751083, MONDO:0013148, OMIM 613123.

Allele frequency attached by ClinVar (database versions not stated): gnomAD exomes 0.00002; ExAC 0.00001.
gnomAD v4.1: 25 of 1,606,282 alleles (0.0016%); highest among the groups gnomAD compares: East Asian, 0.0022%; no homozygotes.

Submissions (2):

Labcorp Genetics (formerly Invitae), Labcorp
Classification: Uncertain significance for Brugada syndrome 8. Last evaluated: 2025-06-01. Review status: criteria provided, single submitter. Criteria: Invitae Variant Classification Sherloc (09022015). Collection method: clinical testing. Allele origin: germline.
Comment: This sequence change replaces histidine, which is basic and polar, with tyrosine, which is neutral and polar, at codon 757 of the HCN4 protein (p.His757Tyr). The frequency data for this variant in the population databases is considered unreliable, as metrics indicate poor data quality at this position in the gnomAD database. This variant has not been reported in the literature in individuals affected with HCN4-related conditions. ClinVar contains an entry for this variant (Variation ID: 2903133). Invitae Evidence Modeling of protein sequence and biophysical properties (such as structural, functional, and spatial information, amino acid conservation, physicochemical variation, residue mobility, and thermodynamic stability) has been performed for this missense variant. However, the output from this modeling did not meet the statistical confidence thresholds required to predict the impact of this variant on HCN4 protein function. In summary, the available evidence is currently insufficient to determine the role of this variant in disease. Therefore, it has been classified as a Variant of Uncertain Significance.

Ambry Genetics
Classification: Uncertain significance for Cardiovascular phenotype. Last evaluated: 2024-08-23. Review status: criteria provided, single submitter. Criteria: Ambry Variant Classification Scheme 2023. Collection method: clinical testing. Allele origin: germline.
Comment: The p.H757Y variant (also known as c.2269C>T), located in coding exon 8 of the HCN4 gene, results from a C to T substitution at nucleotide position 2269. The histidine at codon 757 is replaced by tyrosine, an amino acid with similar properties. This amino acid position is conserved. In addition, this alteration is predicted to be tolerated by in silico analysis. Based on the available evidence, the clinical significance of this variant remains unclear.

NM_005477.3(HCN4):c.2269C>T (p.His757Tyr)

Gene: HCN4 (hyperpolarization activated cyclic nucleotide gated potassium channel 4; minus strand). Cytogenetic location: 15q24.1.
Variant type: single nucleotide variant.
Coding change: c.2269C>T on transcript NM_005477.3 (MANE Select); coding-DNA position 2269, C replaced by T.
Protein change: p.His757Tyr; replaces histidine 757 with tyrosine.
Molecular consequence: missense variant.
Genome position (GRCh38, 1-based): chr15:73,323,824, G>A on the plus strand (C>T on the coding strand, the complement: HCN4 is on the minus strand). VCF-style: chr15-73323824-G-A. GRCh37 (hg19) VCF-style: chr15-73616165-G-A.
Other names: c.2269C>T (NM_005477.2); short protein forms H757Y.
Identifiers: ClinVar variation 2903133 (VCV002903133.4), dbSNP rs770747723, ClinGen allele CA7649062.